The following is an entry in ClinVar:

ClinVar aggregate classification (germline): Pathogenic/Likely pathogenic. Review status: criteria provided, multiple submitters, no conflicts (2 of 4 stars). 2 submissions from 2 submitters: Pathogenic (1); Likely pathogenic (1). Last evaluated 2024-05-31.

Conditions:
ADGRV1-related disorder. Also called: ADGRV1-related condition; ADGRV1-related disorders.

Submissions (2):

Labcorp Genetics (formerly Invitae), Labcorp
Classification: Pathogenic. Last evaluated: 2024-05-31. Review status: criteria provided, single submitter. Criteria: Invitae Variant Classification Sherloc (09022015). Collection method: clinical testing. Allele origin: germline.
Comment: This sequence change creates a premature translational stop signal (p.Glu651Aspfs*13) in the ADGRV1 gene. It is expected to result in an absent or disrupted protein product. Loss-of-function variants in ADGRV1 are known to be pathogenic (PMID: 19357117, 22135276, 22147658, 26226137, 30718709, 31047384, 32467589). This variant is not present in population databases (gnomAD no frequency). This variant has not been reported in the literature in individuals affected with ADGRV1-related conditions. For these reasons, this variant has been classified as Pathogenic.

Blueprint Genetics
Classification: Likely pathogenic for ADGRV1-related disorders. Last evaluated: 2022-09-23. Review status: criteria provided, single submitter. Criteria: ACMG Guidelines, 2015. Collection method: clinical testing. Allele origin: germline. Affected: yes. Observed: 1 variant allele.

Literature cited by the submitters: PubMed 19357117 (cited by Labcorp Genetics (formerly Invitae), Labcorp); PubMed 22135276 (cited by Labcorp Genetics (formerly Invitae), Labcorp); PubMed 22147658 (cited by Labcorp Genetics (formerly Invitae), Labcorp); PubMed 26226137 (cited by Labcorp Genetics (formerly Invitae), Labcorp); PubMed 30718709 (cited by Labcorp Genetics (formerly Invitae), Labcorp); PubMed 31047384 (cited by Labcorp Genetics (formerly Invitae), Labcorp); PubMed 32467589 (cited by Labcorp Genetics (formerly Invitae), Labcorp).

NM_032119.4(ADGRV1):c.1953_1954del (p.Glu651fs)

Gene: ADGRV1 (adhesion G protein-coupled receptor V1; plus strand). Cytogenetic location: 5q14.3.
Variant type: Deletion.
Coding change: c.1953_1954del on transcript NM_032119.4 (MANE Select); coding-DNA positions 1953 to 1954, 2 bases deleted (AA; older notation c.1953_1954delAA).
Protein change: p.Glu651fs; shifts the reading frame from glutamic acid 651.
Molecular consequence: frameshift variant. On other transcripts: non-coding transcript variant (1).
Genome position (GRCh38, 1-based): chr5:90,635,227-90,635,228, AA deleted; deleting any 2 consecutive bases within chr5:90,635,226-90,635,228 gives the same sequence; the c. name uses the placement nearest the transcript's 3' end. VCF-style (leftmost placement, unchanged base first): chr5-90635225-GAA-G. GRCh37 (hg19) VCF-style: chr5-89931042-GAA-G.
Other names: short protein forms E651fs.
Identifiers: ClinVar variation 3618876 (VCV003618876.3).